The following is an entry in ClinVar:

ClinVar aggregate classification (germline): Likely benign. Review status: criteria provided, multiple submitters, no conflicts (2 of 4 stars). 2 submissions from 2 submitters: Likely benign (2). Last evaluated 2025-10-06.

Conditions:
Pheochromocytoma/paraganglioma syndrome 1. Also called: PARAGANGLIOMATA; Paragangliomas 1; PARAGANGLIOMAS, FAMILIAL NONCHROMAFFIN, 1; PGL 1; Paragangliomas familial 1; Glomus tumors familial 1. Identifiers: Orphanet 29072, MedGen C3494181, MONDO:0008192, OMIM 168000.
Carney-Stratakis syndrome. Also called: PARAGANGLIOMA AND GASTROINTESTINAL STROMAL TUMOR. Identifiers: Orphanet 97286, MedGen C1847319, MONDO:0011740, OMIM 606864.
Paragangliomas with sensorineural hearing loss. Identifiers: MedGen C1868633.
Cowden syndrome 3 (CWS3). Identifiers: Orphanet 201, MedGen CN166604, MONDO:0014045.
Pheochromocytoma. Also called: MAX-Related Hereditary Paraganglioma-Pheochromocytoma Syndrome. Identifiers: Orphanet 29072, MedGen C0031511, MONDO:0008233, OMIM 171300, HP:0002666.

Allele frequency attached by ClinVar (database versions not stated): gnomAD exomes below 0.00001.
gnomAD v4.1: 1 of 1,612,064 alleles (0.000062%); highest among the groups gnomAD compares: Non-Finnish European, 0.000085%; no homozygotes.

Submissions (2):

Labcorp Genetics (formerly Invitae), Labcorp
Classification: Likely benign for Carney-Stratakis syndrome; Paragangliomas with sensorineural hearing loss; Pheochromocytoma; Cowden syndrome 3. Last evaluated: 2025-10-06. Review status: criteria provided, single submitter. Criteria: Invitae Variant Classification Sherloc (09022015). Collection method: clinical testing. Allele origin: germline.

Myriad Genetics, Inc.
Classification: Likely benign for Pheochromocytoma/paraganglioma syndrome 1. Last evaluated: 2025-03-17. Review status: criteria provided, single submitter. Criteria: Myriad Autosomal Dominant, Autosomal Recessive and X-Linked Classification Criteria (2023). Collection method: clinical testing. Allele origin: unknown.
Comment: This variant is considered likely benign. This variant is intronic and is not expected to impact mRNA splicing.

NM_003002.4(SDHD):c.170-11C>T

Gene: SDHD (succinate dehydrogenase complex subunit D; plus strand). Cytogenetic location: 11q23.1.
Variant type: single nucleotide variant.
Coding change: c.170-11C>T on transcript NM_003002.4 (MANE Select); 11 bases into the intron before coding-DNA position 170, C replaced by T.
Molecular consequence: intron variant.
Genome position (GRCh38, 1-based): chr11:112,088,856, C>T. VCF-style: chr11-112088856-C-T. GRCh37 (hg19) VCF-style: chr11-111959580-C-T.
Other names: c.170-11C>T (NM_001276506.2); c.169+883C>T (NM_001276503.2); c.53-11C>T (NM_001276504.2).
Identifiers: ClinVar variation 1564412 (VCV001564412.9), dbSNP rs2135269102, ClinGen allele CA2573146857.